The following is an entry in ClinVar:

NM_002025.4(AFF2):c.974A>G (p.Asp325Gly)

Gene: AFF2 (ALF transcription elongation factor 2; plus strand). Cytogenetic location: Xq28.
Variant type: single nucleotide variant.
Coding change: c.974A>G on transcript NM_002025.4 (MANE Select); coding-DNA position 974, A replaced by G.
Protein change: p.Asp325Gly; replaces aspartic acid 325 with glycine.
Molecular consequence: missense variant.
Genome position (GRCh38, 1-based): chrX:148,662,701, A>G. VCF-style: chrX-148662701-A-G. GRCh37 (hg19) VCF-style: chrX-147744222-A-G.
Other names: c.962A>G, p.Asp321Gly (NM_001169122.2, NM_001169123.2, NM_001169125.2); c.974A>G, p.Asp325Gly (NM_001169124.2); short protein forms D321G, D325G.
Identifiers: ClinVar variation 4681875 (VCV004681875.5).

ClinVar aggregate classification (germline): Uncertain significance (1 of 4 stars; one submission).

Submission:

CeGaT Center for Human Genetics Tuebingen
Classification: Uncertain significance. Last evaluated: 2025-12-01. Review status: criteria provided, single submitter. Criteria: CeGaT Center For Human Genetics Tuebingen Variant Classification Criteria Version 2. Collection method: clinical testing. Allele origin: germline. Affected: yes. Observed: 1 variant allele.
Comment: AFF2: PM2, BP4